The following is an entry in ClinVar:

ClinVar aggregate classification (germline): Uncertain significance (1 of 4 stars; one submission).

Allele frequency attached by ClinVar (database versions not stated): gnomAD exomes below 0.00001.
gnomAD v4.1: 1 of 1,459,388 alleles (0.000069%); highest among the groups gnomAD compares: Non-Finnish European, 0.000089%; no homozygotes.

Submission:

Labcorp Genetics (formerly Invitae), Labcorp
Classification: Uncertain significance. Last evaluated: 2023-11-25. Review status: criteria provided, single submitter. Criteria: Invitae Variant Classification Sherloc (09022015). Collection method: clinical testing. Allele origin: germline.
Comment: This sequence change replaces alanine, which is neutral and non-polar, with threonine, which is neutral and polar, at codon 211 of the NEFH protein (p.Ala211Thr). This variant is not present in population databases (gnomAD no frequency). This variant has not been reported in the literature in individuals affected with NEFH-related conditions. ClinVar contains an entry for this variant (Variation ID: 2120839). Advanced modeling of protein sequence and biophysical properties (such as structural, functional, and spatial information, amino acid conservation, physicochemical variation, residue mobility, and thermodynamic stability) performed at Invitae indicates that this missense variant is not expected to disrupt NEFH protein function with a negative predictive value of 95%. In summary, the available evidence is currently insufficient to determine the role of this variant in disease. Therefore, it has been classified as a Variant of Uncertain Significance.

NM_021076.4(NEFH):c.631G>A (p.Ala211Thr)

Gene: NEFH (neurofilament heavy chain; plus strand). Cytogenetic location: 22q12.2.
Variant type: single nucleotide variant.
Coding change: c.631G>A on transcript NM_021076.4 (MANE Select); coding-DNA position 631, G replaced by A.
Protein change: p.Ala211Thr; replaces alanine 211 with threonine.
Molecular consequence: missense variant.
Genome position (GRCh38, 1-based): chr22:29,480,893, G>A. VCF-style: chr22-29480893-G-A. GRCh37 (hg19) VCF-style: chr22-29876882-G-A.
Other names: short protein forms A211T.
Identifiers: ClinVar variation 2120839 (VCV002120839.4), dbSNP rs2517969250, ClinGen allele CA411123471.